The following is an entry in ClinVar:

NM_006015.6(ARID1A):c.3230C>A (p.Ala1077Glu)

Gene: ARID1A (AT-rich interaction domain 1A; plus strand). Cytogenetic location: 1p36.11.
Variant type: single nucleotide variant.
Coding change: c.3230C>A on transcript NM_006015.6 (MANE Select); coding-DNA position 3230, C replaced by A.
Protein change: p.Ala1077Glu; replaces alanine 1077 with glutamic acid.
Molecular consequence: missense variant.
Genome position (GRCh38, 1-based): chr1:26,771,150, C>A. VCF-style: chr1-26771150-C-A. GRCh37 (hg19) VCF-style: chr1-27097641-C-A.
Other names: c.3230C>A, p.Ala1077Glu (NM_139135.4); short protein forms A1077E.
Identifiers: ClinVar variation 1182296 (VCV001182296.14), dbSNP rs1030084592, ClinGen allele CA339164610.

ClinVar aggregate classification (germline): Pathogenic/Likely pathogenic. Review status: criteria provided, multiple submitters, no conflicts (2 of 4 stars). 7 submissions from 7 submitters: Pathogenic (4); Likely pathogenic (3). Last evaluated 2026-01-28.

Conditions:
Intellectual disability, autosomal dominant 14 (CSS2). Also called: COFFIN-SIRIS SYNDROME 2. Identifiers: Orphanet 1465, MedGen C3553247, MONDO:0013819, OMIM 614607.
Inborn genetic diseases. Identifiers: MedGen C0950123, MeSH D030342.

Submissions (7):

Department of Medical and Molecular Genetics, Dongguan Institute of Pediatrics
Classification: Likely pathogenic for Intellectual disability, autosomal dominant 14. Last evaluated: 2026-01-28. Review status: criteria provided, single submitter. Criteria: ACMG Guidelines, 2015. Collection method: clinical testing. Allele origin: de novo. Inheritance: Autosomal dominant inheritance. Affected: yes. Observed: 1 heterozygote.
Comment: The NM_006015.6: c.3230C>A variant in the ARID1A gene is a heterozygous missense substitution, predicted to result in the amino acid change p.Ala1077Glu. This variant was confirmed as de novo, being absent in both parents through trio-based exome and Sanger sequencing (PS2). Given the rarity of both the syndrome and this variant， these independent observations in affected individuals support its disease association， providing PS4_Supporting level of evidence. The variant is absent or at an extremely low frequency in population databases (PM2_Supporting). Multiple lines of computational evidence (e.g., in-silico prediction tools) support a deleterious effect on the gene or protein (PP3). In summary, this variant meets the following ACMG/AMP criteria: PS2， PS4_Supporting， PM2_Supporting， PP3. Based on this evidence， it is classified as Likely Pathogenic for Coffin-Siris syndrome type 2.

Ambry Genetics
Classification: Pathogenic for Inborn genetic diseases. Last evaluated: 2025-12-01. Review status: criteria provided, single submitter. Criteria: Ambry Variant Classification Scheme 2023. Collection method: clinical testing. Allele origin: germline.
Comment: The c.3230C>A (p.A1077E) alteration is located in exon 12 (coding exon 12) of the ARID1A gene. This alteration results from a C to A substitution at nucleotide position 3230, causing the alanine (A) at amino acid position 1077 to be replaced by a glutamic acid (E). This variant was not reported in population-based cohorts in the Genome Aggregation Database (gnomAD). This variant was determined to be de novo in at least one individual with features consistent with ARID1A-related Coffin-Siris syndrome (Liu, 2022). This amino acid position is well conserved in available vertebrate species. This missense alteration is located in a region that has a low rate of benign missense variation (Lek, 2016; Firth, 2009). This alteration is predicted to be deleterious by in silico analysis. Based on the available evidence, this alteration is classified as pathogenic.

OLLIN Analises Genomicas, OLLIN
Classification: Likely pathogenic for Intellectual disability, autosomal dominant 14. Last evaluated: 2025-07-17. Review status: criteria provided, single submitter. Criteria: ACMG Guidelines 2015 PMID 25741868. Collection method: clinical testing. Allele origin: germline. Affected: yes. Observed: 1 variant allele.
Comment: The missense variant (chr1:26771150C>A), located in exon 12 (of 20), absent in gnomAD v4.1 non-UKB, is reported in ClinVar (VCV001182296.13) and in the scientific literature, and has also been identified de novo in individuals with Coffin-Siris syndrome (PMID: 35353340). This variant is located in a known mutational hotspot, and in silico analysis predicts that it has a deleterious effect. According to currently available evidence, this variant has been classified as likely pathogenic (PS2, PS4_P, PM1, PM2_P, PP3).

Labcorp Genetics (formerly Invitae), Labcorp
Classification: Pathogenic. Last evaluated: 2025-01-06. Review status: criteria provided, single submitter. Criteria: Invitae Variant Classification Sherloc (09022015). Collection method: clinical testing. Allele origin: germline.
Comment: This sequence change replaces alanine, which is neutral and non-polar, with glutamic acid, which is acidic and polar, at codon 1077 of the ARID1A protein (p.Ala1077Glu). This variant is not present in population databases (gnomAD no frequency). This missense change has been observed in individual(s) with clinical features of Coffin-Siris syndrome (PMID: 35353340; internal data). In at least one individual the variant was observed to be de novo. ClinVar contains an entry for this variant (Variation ID: 1182296). Invitae Evidence Modeling of protein sequence and biophysical properties (such as structural, functional, and spatial information, amino acid conservation, physicochemical variation, residue mobility, and thermodynamic stability) indicates that this missense variant is expected to disrupt ARID1A protein function with a positive predictive value of 80%. For these reasons, this variant has been classified as Pathogenic.

GeneDx
Classification: Pathogenic. Last evaluated: 2024-05-20. Review status: criteria provided, single submitter. Criteria: GeneDx Variant Classification Process June 2021. Collection method: clinical testing. Allele origin: germline. Affected: yes.
Comment: Not observed at significant frequency in large population cohorts (gnomAD); In silico analysis supports that this missense variant has a deleterious effect on protein structure/function; This variant is associated with the following publications: (PMID: 35353340)

Women's Health and Genetics/Laboratory Corporation of America, LabCorp
Classification: Pathogenic for Intellectual disability, autosomal dominant 14. Last evaluated: 2022-07-13. Review status: criteria provided, single submitter. Criteria: LabCorp Variant Classification Summary - May 2015. Collection method: clinical testing. Allele origin: germline.
Comment: Variant summary: ARID1A c.3230C>A (p.Ala1077Glu) results in a non-conservative amino acid change located in the ARID DNA-binding domain (IPR001606) of the encoded protein sequence. Four of five in-silico tools predict a damaging effect of the variant on protein function. The variant was absent in 251456 control chromosomes (gnomAD). c.3230C>A has been reported in the literature as a de novo variant in a heterozygous individual with the clinical features of Coffin-Siris syndrome (Liu_2022). This report suggests that the variant is likely associated with disease. To our knowledge, no experimental evidence demonstrating an impact on protein function has been reported. Three submitters have provided clinical-significance assessments for this variant to ClinVar after 2014 and all have classified the variant as pathogenic (n=2) or likely pathogenic (n=1). Based on the evidence outlined above, the variant was classified as pathogenic.

Institute of Medical Genetics and Applied Genomics, University Hospital Tübingen
Classification: Likely pathogenic for Intellectual disability, autosomal dominant 14. Last evaluated: 2021-10-18. Review status: criteria provided, single submitter. Criteria: ACMG Guidelines, 2015. Collection method: clinical testing. Allele origin: de novo. Inheritance: Autosomal dominant inheritance. Affected: yes.

Literature cited by the submitters: PubMed 35353340 (cited by 5 submitters).